The following is an entry in ClinVar:

NM_018238.4(AGK):c.*1467T>C

Gene: AGK (acylglycerol kinase; plus strand). Cytogenetic location: 7q34.
Variant type: single nucleotide variant.
Coding change: c.*1467T>C on transcript NM_018238.4 (MANE Select); 1467 bases downstream of the stop codon, T replaced by C.
Molecular consequence: 3 prime UTR variant.
Genome position (GRCh38, 1-based): chr7:141,654,391, T>C. VCF-style: chr7-141654391-T-C. GRCh37 (hg19) VCF-style: chr7-141354191-T-C.
Identifiers: ClinVar variation 912069 (VCV000912069.4), dbSNP rs140297904, ClinGen allele CA168066342.

ClinVar aggregate classification (germline): Likely benign. Review status: criteria provided, single submitter (1 of 4 stars). 2 submissions from 1 submitter: Likely benign (2). Last evaluated 2018-01-13.

Conditions:
Cataract 38. Also called: Cataract, autosomal recessive congenital 5; Cataract 38, autosomal recessive. Identifiers: Orphanet 91492, MedGen C3553494, MONDO:0013859, OMIM 614691.
Sengers syndrome. Also called: MITOCHONDRIAL DNA DEPLETION SYNDROME 10 (CARDIOMYOPATHIC TYPE); Cardiomyopathy and cataract. Identifiers: Orphanet 1369, MedGen C1859317, MONDO:0008922, OMIM 212350.

Allele frequency attached by ClinVar (database versions not stated): gnomAD 0.00022 and 0.00026; TOPMed 0.00027; 1000 Genomes Project 0.00160; 1000 Genomes Project 30x 0.00219.

Submissions (2):

Illumina Laboratory Services, Illumina
Classification: Likely benign for Sengers syndrome. Last evaluated: 2018-01-13. Review status: criteria provided, single submitter. Criteria: ICSL Variant Classification Criteria 13 December 2019. Collection method: clinical testing. Allele origin: germline.
Comment: This variant was observed in the ICSL laboratory as part of a predisposition screen in an ostensibly healthy population. It had not been previously curated by ICSL or reported in the Human Gene Mutation Database (HGMD: prior to June 1st, 2018), and was therefore a candidate for classification through an automated scoring system. Utilizing variant allele frequency, disease prevalence and penetrance estimates, and inheritance mode, an automated score was calculated to assess if this variant is too frequent to cause the disease. Based on the score and internal cut-off values, a variant classified as likely benign is not then subjected to further curation. The score for this variant resulted in a classification of likely benign for this disease.

Illumina Laboratory Services, Illumina
Classification: Likely benign for Cataract 38. Last evaluated: 2018-01-13. Review status: criteria provided, single submitter. Criteria: ICSL Variant Classification Criteria 13 December 2019. Collection method: clinical testing. Allele origin: germline.
Comment: the same text as in the submission from Illumina Laboratory Services, Illumina above.